The following is an entry in ClinVar:

ClinVar aggregate classification (germline): Uncertain significance (1 of 4 stars; one submission).

Submission:

Labcorp Genetics (formerly Invitae), Labcorp
Classification: Uncertain significance. Last evaluated: 2023-08-31. Review status: criteria provided, single submitter. Criteria: Invitae Variant Classification Sherloc (09022015). Collection method: clinical testing. Allele origin: germline.
Comment: In summary, the available evidence is currently insufficient to determine the role of this variant in disease. Therefore, it has been classified as a Variant of Uncertain Significance. Advanced modeling of protein sequence and biophysical properties (such as structural, functional, and spatial information, amino acid conservation, physicochemical variation, residue mobility, and thermodynamic stability) has been performed at Invitae for this missense variant, however the output from this modeling did not meet the statistical confidence thresholds required to predict the impact of this variant on EFTUD2 protein function. This variant has not been reported in the literature in individuals affected with EFTUD2-related conditions. This variant is not present in population databases (gnomAD no frequency). This sequence change replaces lysine, which is basic and polar, with threonine, which is neutral and polar, at codon 244 of the EFTUD2 protein (p.Lys244Thr).

NM_004247.4(EFTUD2):c.731A>C (p.Lys244Thr)

Gene: EFTUD2 (elongation factor Tu GTP binding domain containing 2; minus strand). Cytogenetic location: 17q21.31.
Variant type: single nucleotide variant.
Coding change: c.731A>C on transcript NM_004247.4 (MANE Select); coding-DNA position 731, A replaced by C.
Protein change: p.Lys244Thr; replaces lysine 244 with threonine.
Molecular consequence: missense variant.
Genome position (GRCh38, 1-based): chr17:44,876,072, T>G on the plus strand (A>C on the coding strand, the complement: EFTUD2 is on the minus strand). VCF-style: chr17-44876072-T-G. GRCh37 (hg19) VCF-style: chr17-42953440-T-G.
Other names: c.626A>C, p.Lys209Thr (NM_001142605.2); c.731A>C, p.Lys244Thr (NM_001258353.2); c.701A>C, p.Lys234Thr (NM_001258354.2); short protein forms K244T, K234T, K209T.
Identifiers: ClinVar variation 2754675 (VCV002754675.3), dbSNP rs2508808498, ClinGen allele CA399819956.